The following is an entry in ClinVar:

ClinVar aggregate classification (germline): Uncertain significance. Review status: criteria provided, multiple submitters, no conflicts (2 of 4 stars). 2 submissions from 2 submitters: Uncertain significance (2). Last evaluated 2025-06-27.

Conditions:
Cardiovascular phenotype. Identifiers: MedGen CN230736.
Primary dilated cardiomyopathy (DCM). Also called: Dilated Cardiomyopathy. Identifiers: Orphanet 217604, MedGen C0007193, MeSH D002311, MONDO:0005021, HP:0001644. Inheritance: Various modes of inheritance.

gnomAD v4.1: 38 of 1,613,406 alleles (0.0024%); highest among the groups gnomAD compares: Non-Finnish European, 0.003%; no homozygotes.

Submissions (2):

Labcorp Genetics (formerly Invitae), Labcorp
Classification: Uncertain significance for Primary dilated cardiomyopathy. Last evaluated: 2025-06-27. Review status: criteria provided, single submitter. Criteria: Invitae Variant Classification Sherloc (09022015). Collection method: clinical testing. Allele origin: germline.
Comment: This sequence change replaces threonine, which is neutral and polar, with methionine, which is neutral and non-polar, at codon 397 of the TXNRD2 protein (p.Thr397Met). This variant is present in population databases (rs765979404, gnomAD 0.002%). This variant has not been reported in the literature in individuals affected with TXNRD2-related conditions. ClinVar contains an entry for this variant (Variation ID: 3464743). Invitae Evidence Modeling of protein sequence and biophysical properties (such as structural, functional, and spatial information, amino acid conservation, physicochemical variation, residue mobility, and thermodynamic stability) indicates that this missense variant is expected to disrupt TXNRD2 protein function with a positive predictive value of 80%. In summary, the available evidence is currently insufficient to determine the role of this variant in disease. Therefore, it has been classified as a Variant of Uncertain Significance.

Ambry Genetics
Classification: Uncertain significance for Cardiovascular phenotype. Last evaluated: 2024-06-26. Review status: criteria provided, single submitter. Criteria: Ambry Variant Classification Scheme 2023. Collection method: clinical testing. Allele origin: germline.
Comment: The p.T397M variant (also known as c.1190C>T), located in coding exon 14 of the TXNRD2 gene, results from a C to T substitution at nucleotide position 1190. The threonine at codon 397 is replaced by methionine, an amino acid with similar properties. This amino acid position is conserved. In addition, this alteration is predicted to be deleterious by in silico analysis. Based on the available evidence, the clinical significance of this variant remains unclear.

NM_006440.5(TXNRD2):c.1190C>T (p.Thr397Met)

Gene: TXNRD2 (thioredoxin reductase 2; minus strand). Cytogenetic location: 22q11.21.
Variant type: single nucleotide variant.
Coding change: c.1190C>T on transcript NM_006440.5 (MANE Select); coding-DNA position 1190, C replaced by T.
Protein change: p.Thr397Met; replaces threonine 397 with methionine.
Molecular consequence: missense variant. On other transcripts: non-coding transcript variant (1).
Genome position (GRCh38, 1-based): chr22:19,880,264, G>A on the plus strand (C>T on the coding strand, the complement: TXNRD2 is on the minus strand). VCF-style: chr22-19880264-G-A. GRCh37 (hg19) VCF-style: chr22-19867787-G-A.
Other names: c.1187C>T, p.Thr396Met (NM_001352300.2); c.1100C>T, p.Thr367Met (NM_001352301.2); c.902C>T, p.Thr301Met (NM_001352302.2); short protein forms T397M, T301M, T367M, T396M.
Identifiers: ClinVar variation 3464743 (VCV003464743.2).